The following is an entry in ClinVar:

NM_002335.4(LRP5):c.2462C>T (p.Thr821Ile)

Gene: LRP5 (LDL receptor related protein 5; plus strand). Cytogenetic location: 11q13.2.
Variant type: single nucleotide variant.
Coding change: c.2462C>T on transcript NM_002335.4 (MANE Select); coding-DNA position 2462, C replaced by T.
Protein change: p.Thr821Ile; replaces threonine 821 with isoleucine.
Molecular consequence: missense variant.
Genome position (GRCh38, 1-based): chr11:68,411,579, C>T. VCF-style: chr11-68411579-C-T. GRCh37 (hg19) VCF-style: chr11-68179047-C-T.
Other names: c.719C>T, p.Thr240Ile (NM_001291902.2); short protein forms T821I, T240I.
Identifiers: ClinVar variation 1358509 (VCV001358509.9), dbSNP rs2153167132, ClinGen allele CA381617273.

ClinVar aggregate classification (germline): Uncertain significance. Review status: criteria provided, multiple submitters, no conflicts (2 of 4 stars). 2 submissions from 2 submitters: Uncertain significance (2). Last evaluated 2021-06-23.

gnomAD v4.1: 2 of 1,613,524 alleles (0.00012%); highest among the groups gnomAD compares: Middle Eastern, 0.017%; no homozygotes.

Submissions (2):

Labcorp Genetics (formerly Invitae), Labcorp
Classification: Uncertain significance. Last evaluated: 2021-06-23. Review status: criteria provided, single submitter. Criteria: Invitae Variant Classification Sherloc (09022015). Collection method: clinical testing. Allele origin: germline.
Comment: This sequence change replaces threonine with isoleucine at codon 821 of the LRP5 protein (p.Thr821Ile). The threonine residue is highly conserved and there is a moderate physicochemical difference between threonine and isoleucine. This variant is not present in population databases (ExAC no frequency). This variant has not been reported in the literature in individuals affected with LRP5-related conditions. Algorithms developed to predict the effect of missense changes on protein structure and function are either unavailable or do not agree on the potential impact of this missense change (SIFT: "Deleterious"; PolyPhen-2: "Benign"; Align-GVGD: "Class C15"). In summary, the available evidence is currently insufficient to determine the role of this variant in disease. Therefore, it has been classified as a Variant of Uncertain Significance.

Blueprint Genetics
Classification: Uncertain significance. Last evaluated: 2021-02-03. Review status: criteria provided, single submitter. Criteria: ACMG Guidelines, 2015. Collection method: clinical testing. Allele origin: germline.